The following is an entry in ClinVar:

ClinVar aggregate classification (germline): Uncertain significance (1 of 4 stars; one submission).

Conditions:
Maturity-onset diabetes of the young type 11. Identifiers: Orphanet 552, MedGen C3150618, MONDO:0013242, OMIM 613375.

gnomAD v4.1: 2 of 1,613,112 alleles (0.00012%); highest among the groups gnomAD compares: East Asian, 0.0045%; no homozygotes.

Submission:

Juno Genomics, Hangzhou Juno Genomics, Inc
Classification: Uncertain significance for Maturity-onset diabetes of the young type 11. Review status: criteria provided, single submitter. Criteria: ACMG Guidelines, 2015. Collection method: clinical testing. Allele origin: germline.
Comment: Absent from controls (or at extremely low frequency if recessive) in Genome Aggregation Database.;Multiple lines of computational evidence support a deleterious effect on the gene or gene product.

NM_001715.3(BLK):c.1033G>A (p.Ala345Thr)

Gene: BLK (BLK proto-oncogene, Src family tyrosine kinase). Cytogenetic location: 8p23.1.
Variant type: single nucleotide variant.
Coding change: c.1033G>A on transcript NM_001715.3 (MANE Select); coding-DNA position 1033, G replaced by A.
Protein change: p.Ala345Thr; replaces alanine 345 with threonine.
Molecular consequence: missense variant.
Genome position (GRCh38, 1-based): chr8:11,561,305, G>A. VCF-style: chr8-11561305-G-A. GRCh37 (hg19) VCF-style: chr8-11418814-G-A.
Other names: c.820G>A, p.Ala274Thr (NM_001330465.2); short protein forms A274T, A345T.
Identifiers: ClinVar variation 5007265 (VCV005007265.2).